The following is an entry in ClinVar:

ClinVar aggregate classification (germline): Uncertain significance (1 of 4 stars; one submission).

Conditions:
Singleton-Merten syndrome 1 (SGMRT1). Also called: Widened medullary cavities of bone, aortic calcification, abnormal dentition, and muscular weakness; Syndrome of widened medullary cavities of the metacarpals and phalanges, aortic calcification and abnormal dentition. Identifiers: Orphanet 85191, MedGen C4225427, MONDO:0024535, OMIM 182250.
Aicardi-Goutieres syndrome 7 (AGS7). Identifiers: Orphanet 51, MedGen C3888244, MONDO:0014367, OMIM 615846.

Allele frequency attached by ClinVar (database versions not stated): gnomAD exomes below 0.00001.
gnomAD v4.1: 4 of 1,451,202 alleles (0.00028%); highest among the groups gnomAD compares: African/African-American, 0.0042%; no homozygotes.

Submission:

Labcorp Genetics (formerly Invitae), Labcorp
Classification: Uncertain significance for Aicardi-Goutieres syndrome 7; Singleton-Merten syndrome 1. Last evaluated: 2024-08-05. Review status: criteria provided, single submitter. Criteria: Invitae Variant Classification Sherloc (09022015). Collection method: clinical testing. Allele origin: germline.
Comment: This sequence change replaces glutamic acid, which is acidic and polar, with lysine, which is basic and polar, at codon 556 of the IFIH1 protein (p.Glu556Lys). This variant is not present in population databases (gnomAD no frequency). This variant has not been reported in the literature in individuals affected with IFIH1-related conditions. ClinVar contains an entry for this variant (Variation ID: 950011). Advanced modeling of protein sequence and biophysical properties (such as structural, functional, and spatial information, amino acid conservation, physicochemical variation, residue mobility, and thermodynamic stability) has been performed at Invitae for this missense variant, however the output from this modeling did not meet the statistical confidence thresholds required to predict the impact of this variant on IFIH1 protein function. In summary, the available evidence is currently insufficient to determine the role of this variant in disease. Therefore, it has been classified as a Variant of Uncertain Significance.

NM_022168.4(IFIH1):c.1666G>A (p.Glu556Lys)

Gene: IFIH1 (interferon induced with helicase C domain 1; minus strand). Cytogenetic location: 2q24.2.
Variant type: single nucleotide variant.
Coding change: c.1666G>A on transcript NM_022168.4 (MANE Select); coding-DNA position 1666, G replaced by A.
Protein change: p.Glu556Lys; replaces glutamic acid 556 with lysine.
Molecular consequence: missense variant.
Genome position (GRCh38, 1-based): chr2:162,278,304, C>T on the plus strand (G>A on the coding strand, the complement: IFIH1 is on the minus strand). VCF-style: chr2-162278304-C-T. GRCh37 (hg19) VCF-style: chr2-163134814-C-T.
Other names: short protein forms E556K.
Identifiers: ClinVar variation 950011 (VCV000950011.9), dbSNP rs111732322, ClinGen allele CA59661933.
Genomic context (GRCh38, chr2:162,278,304, plus strand): 5'-GAGTTCCAAAATCTGACATTGGACTCATTTGACAATAAGTTTGAATCCTTGTCATTATTT[C>T]TAGAAGTTTCTCTTTAAATGGATCCTAAAAATAAAGTACACACTTATTCTTATGTATTCT-3'
Protein context (NP_071451.2, residues 546-566): REDPFKEKLL[Glu556Lys]IMTRIQTYCQ